The following is an entry in ClinVar:

ClinVar aggregate classification (germline): Uncertain significance (1 of 4 stars; one submission).

Allele frequency attached by ClinVar (database versions not stated): gnomAD exomes 0.00001 and 0.00004; ExAC 0.00003.
gnomAD v4.1: 21 of 1,613,920 alleles (0.0013%); highest among the groups gnomAD compares: South Asian, 0.012%; no homozygotes.

Submission:

Labcorp Genetics (formerly Invitae), Labcorp
Classification: Uncertain significance. Last evaluated: 2025-06-10. Review status: criteria provided, single submitter. Criteria: Invitae Variant Classification Sherloc (09022015). Collection method: clinical testing. Allele origin: germline.
Comment: This sequence change replaces lysine, which is basic and polar, with arginine, which is basic and polar, at codon 347 of the CCT2 protein (p.Lys347Arg). This variant is present in population databases (rs778928710, gnomAD 0.02%). This variant has not been reported in the literature in individuals affected with CCT2-related conditions. ClinVar contains an entry for this variant (Variation ID: 1524672). An algorithm developed to predict the effect of missense changes on protein structure and function (PolyPhen-2) suggests that this variant is likely to be tolerated. In summary, the available evidence is currently insufficient to determine the role of this variant in disease. Therefore, it has been classified as a Variant of Uncertain Significance.

NM_006431.3(CCT2):c.1040A>G (p.Lys347Arg)

Gene: CCT2 (chaperonin containing TCP1 subunit 2; plus strand). Cytogenetic location: 12q15.
Variant type: single nucleotide variant.
Coding change: c.1040A>G on transcript NM_006431.3 (MANE Select); coding-DNA position 1040, A replaced by G.
Protein change: p.Lys347Arg; replaces lysine 347 with arginine.
Molecular consequence: missense variant.
Genome position (GRCh38, 1-based): chr12:69,597,213, A>G. VCF-style: chr12-69597213-A-G. GRCh37 (hg19) VCF-style: chr12-69990993-A-G.
Other names: c.899A>G, p.Lys300Arg (NM_001198842.2); short protein forms K347R, K300R.
Identifiers: ClinVar variation 1524672 (VCV001524672.8), dbSNP rs778928710, ClinGen allele CA6680757.